The following is an entry in ClinVar:

ClinVar aggregate classification (germline): Benign (1 of 4 stars; one submission).

Allele frequency attached by ClinVar (database versions not stated): 1000 Genomes Project 30x 0.00234; 1000 Genomes Project 0.00220; ESP Exome Variant Server 0.00565.
gnomAD v4.1: 15,900 of 1,582,544 alleles (1%); highest among the groups gnomAD compares: Non-Finnish European, 1.2%; 113 homozygotes.

Submissions (2):

CeGaT Center for Human Genetics Tuebingen
Classification: Benign. Last evaluated: 2026-06-01. Review status: criteria provided, single submitter. Criteria: CeGaT Center For Human Genetics Tuebingen Variant Classification Criteria Version 2. Collection method: clinical testing. Allele origin: germline. Affected: yes. Observed: 9 variant alleles.
Comment: SIGLEC15: BP4, BP7, BS1, BS2; EPG5: BS1, BS2

Dr. Peter K. Rogan Lab, Western University
No classification provided (evidence only). Condition: Sarcoma. Review status: no classification provided. Collection method: in vitro. Allele origin: not applicable. Functional consequence: retained intron. Not counted in ClinVar's aggregate classification.

NM_213602.3(SIGLEC15):c.642G>A (p.Pro214=)

Genes: EPG5 (ectopic P-granules 5 autophagy tethering factor; minus strand), SIGLEC15 (sialic acid binding Ig like lectin 15; plus strand). Cytogenetic location: 18q12.3.
Variant type: single nucleotide variant.
Coding change: c.642G>A on transcript NM_213602.3 (MANE Select); coding-DNA position 642, G replaced by A.
Protein change: p.Pro214=; no amino-acid change (proline 214 retained).
Molecular consequence: synonymous variant. On other transcripts: intron variant (1).
Genome position (GRCh38, 1-based): chr18:45,838,863, G>A. VCF-style: chr18-45838863-G-A. GRCh37 (hg19) VCF-style: chr18-43418828-G-A.
Other names: NC_000018.9:g.43418828G>A; c.7557+16710C>T (NM_001410858.1).
Identifiers: ClinVar variation 1879395 (VCV001879395.27), dbSNP rs201159400, ClinGen allele CA8947788.
Genomic context (GRCh38, chr18:45,838,863, plus strand): 5'-GCCCGCCCTCGCCTGGTCCGGCCCGGCCCTGGGCAACAGCTTGGCAGCCGTGCGGAGCCC[G>A]CGTGAGGGTCACGGCCACCTAGTGACCGCCGAACTGCCCGCACTGACCCATGACGGCCGC-3'
Protein context (NP_998767.1, residues 204-224): LGNSLAAVRS[Pro214=]REGHGHLVTA